The following is an entry in ClinVar:

NM_001005242.3(PKP2):c.1814G>T (p.Gly605Val)

Gene: PKP2 (plakophilin 2; minus strand). Cytogenetic location: 12p11.21.
Variant type: single nucleotide variant.
Coding change: c.1814G>T on transcript NM_001005242.3 (MANE Select); coding-DNA position 1814, G replaced by T.
Protein change: p.Gly605Val; replaces glycine 605 with valine.
Molecular consequence: missense variant. On other transcripts: intron variant (1).
Genome position (GRCh38, 1-based): chr12:32,822,492, C>A on the plus strand (G>T on the coding strand, the complement: PKP2 is on the minus strand). VCF-style: chr12-32822492-C-A. GRCh37 (hg19) VCF-style: chr12-32975426-C-A.
Other names: c.1814G>T, p.Gly605Val (NM_001407155.1, NM_001407161.1); c.1946G>T, p.Gly649Val (NM_001407157.1, NM_004572.4); c.1487G>T, p.Gly496Val (NM_001407158.1, NM_001407159.1, NM_001407160.1 and 1 more transcripts); c.1675-963G>T (NM_001407156.1); short protein forms G496V, G605V, G649V.
Identifiers: ClinVar variation 3070417 (VCV003070417.1), dbSNP rs2541231492, ClinGen allele CA384362687.
Genomic context (GRCh38, chr12:32,822,492, plus strand): 5'-CCCTTTCTCATTCTTTCAAAAACTTCCCAATATACCTCTTTTACTTTCCTGCTTCGACTG[C>A]CAAAACATCCAATACTTTTGTTGTTGTCAGTCTGGATATTCCGGTTTTGAATATAGATAT-3'
Protein context (NP_001005242.2, residues 595-615): TDNNKSIGCF[Gly605Val]SRSRKVKEQY

ClinVar aggregate classification (germline): Uncertain significance (1 of 4 stars; one submission).

Conditions:
Arrhythmogenic right ventricular cardiomyopathy (ARVD). Also called: Arrhythmogenic right ventricular dysplasia; Cardiomyopathy, ARVC; Arrhythmogenic cardiomyopathy; Arrhythmogenic Right Ventricular Cardiomyopathy (ARVC). Identifiers: Orphanet 247, MedGen C0349788, MeSH D019571, MONDO:0016587. Disease mechanism: loss of function. Inheritance: Various modes of inheritance.

gnomAD v4.1: 3 of 1,614,086 alleles (0.00019%); highest among the groups gnomAD compares: Non-Finnish European, 0.00025%; no homozygotes.

Submission:

All of Us Research Program, National Institutes of Health
Classification: Uncertain significance for Arrhythmogenic right ventricular cardiomyopathy. Last evaluated: 2023-04-10. Review status: criteria provided, single submitter. Criteria: ACMG Guidelines, 2015. Collection method: clinical testing. Allele origin: germline. Inheritance: Autosomal dominant inheritance. Observed: 1 variant allele, 1 heterozygote.
Comment: This missense variant replaces glycine with valine at codon 649 of the PKP2 protein. Computational prediction suggests that this variant may have deleterious impact on protein structure and function (internally defined REVEL score threshold >= 0.7, PMID: 27666373). To our knowledge, functional studies have not been reported for this variant. This variant has not been reported in individuals affected with PKP2-related disorders in the literature. This variant has not been identified in the general population by the Genome Aggregation Database (gnomAD). The available evidence is insufficient to determine the role of this variant in disease conclusively. Therefore, this variant is classified as a Variant of Uncertain Significance.

This study involves interpretation of variants in research participants for the purpose of population health screening. Participant phenotype was not available at the time of variant classification. Additional details can be found in publication PMID: 35346344, PMCID: PMC8962531